The following is an entry in ClinVar:

NM_002772.3(TMPRSS15):c.152C>T (p.Ala51Val)

Gene: TMPRSS15 (transmembrane serine protease 15; minus strand). Cytogenetic location: 21q21.1.
Variant type: single nucleotide variant.
Coding change: c.152C>T on transcript NM_002772.3 (MANE Select); coding-DNA position 152, C replaced by T.
Protein change: p.Ala51Val; replaces alanine 51 with valine.
Molecular consequence: missense variant.
Genome position (GRCh38, 1-based): chr21:18,398,323, G>A on the plus strand (C>T on the coding strand, the complement: TMPRSS15 is on the minus strand). VCF-style: chr21-18398323-G-A. GRCh37 (hg19) VCF-style: chr21-19770640-G-A.
Other names: c.152C>T (NM_002772.2); short protein forms A51V.
Identifiers: ClinVar variation 2068215 (VCV002068215.2), dbSNP rs142737041, ClinGen allele CA318126099.

ClinVar aggregate classification (germline): Conflicting classifications of pathogenicity. Review status: criteria provided, conflicting classifications (1 of 4 stars). 2 submissions from 2 submitters: Uncertain significance (1); Likely benign (1). Last evaluated 2025-04-07.

Allele frequency attached by ClinVar (database versions not stated): gnomAD 0.00002; ESP Exome Variant Server 0.00008; gnomAD exomes below 0.00001; TOPMed 0.00005.
gnomAD v4.1: 18 of 1,613,408 alleles (0.0011%); highest among the groups gnomAD compares: African/African-American, 0.0067%; no homozygotes.

Submissions (2):

Ambry Genetics
Classification: Likely benign. Last evaluated: 2025-04-07. Review status: criteria provided, single submitter. Criteria: Ambry Variant Classification Scheme 2023. Collection method: clinical testing. Allele origin: germline.

Labcorp Genetics (formerly Invitae), Labcorp
Classification: Uncertain significance. Last evaluated: 2022-06-26. Review status: criteria provided, single submitter. Criteria: Invitae Variant Classification Sherloc (09022015). Collection method: clinical testing. Allele origin: germline.
Comment: This sequence change replaces alanine, which is neutral and non-polar, with valine, which is neutral and non-polar, at codon 51 of the TMPRSS15 protein (p.Ala51Val). This variant is present in population databases (rs142737041, gnomAD 0.01%). This variant has not been reported in the literature in individuals affected with TMPRSS15-related conditions. Algorithms developed to predict the effect of missense changes on protein structure and function output the following: SIFT: "Not Available"; PolyPhen-2: "Benign"; Align-GVGD: "Not Available". The valine amino acid residue is found in multiple mammalian species, which suggests that this missense change does not adversely affect protein function. In summary, the available evidence is currently insufficient to determine the role of this variant in disease. Therefore, it has been classified as a Variant of Uncertain Significance.